The following is an entry in ClinVar:

ClinVar aggregate classification (germline): Uncertain significance. Review status: criteria provided, multiple submitters, no conflicts (2 of 4 stars). 2 submissions from 2 submitters: Uncertain significance (2). Last evaluated 2025-09-17.

Conditions:
Hereditary cancer-predisposing syndrome. Also called: Neoplastic Syndromes, Hereditary; Hereditary neoplastic syndrome; Tumor predisposition; Hereditary Cancer Syndrome. Identifiers: Orphanet 140162, MedGen C0027672, MeSH D009386, MONDO:0015356.
Microcephaly, normal intelligence and immunodeficiency (NBS). Also called: Nijmegen breakage syndrome; Microcephaly with normal intelligence immunodeficiency and lymphoreticular malignancies; Nonsyndromal microcephaly autosomal recessive with normal intelligence; Seemanova syndrome 2; BERLIN BREAKAGE SYNDROME; IMMUNODEFICIENCY, MICROCEPHALY, AND CHROMOSOMAL INSTABILITY. Identifiers: Orphanet 647, MedGen C0398791, MONDO:0009623, OMIM 251260.

Submissions (2):

Ambry Genetics
Classification: Uncertain significance for Hereditary cancer-predisposing syndrome. Last evaluated: 2025-09-17. Review status: criteria provided, single submitter. Criteria: Ambry Variant Classification Scheme 2023. Collection method: clinical testing. Allele origin: germline.
Comment: The p.V663M variant (also known as c.1987G>A), located in coding exon 13 of the NBN gene, results from a G to A substitution at nucleotide position 1987. The valine at codon 663 is replaced by methionine, an amino acid with highly similar properties. This amino acid position is conserved. In addition, the in silico prediction for this alteration is inconclusive. Based on the available evidence, the clinical significance of this variant remains unclear.

Labcorp Genetics (formerly Invitae), Labcorp
Classification: Uncertain significance for Microcephaly, normal intelligence and immunodeficiency. Last evaluated: 2024-08-27. Review status: criteria provided, single submitter. Criteria: Invitae Variant Classification Sherloc (09022015). Collection method: clinical testing. Allele origin: germline.
Comment: This sequence change replaces valine, which is neutral and non-polar, with methionine, which is neutral and non-polar, at codon 663 of the NBN protein (p.Val663Met). This variant is not present in population databases (gnomAD no frequency). This variant has not been reported in the literature in individuals affected with NBN-related conditions. An algorithm developed to predict the effect of missense changes on protein structure and function (PolyPhen-2) suggests that this variant is likely to be disruptive. RNA analysis performed to evaluate the impact of this missense change on mRNA splicing indicates it does not significantly alter splicing (internal data). In summary, the available evidence is currently insufficient to determine the role of this variant in disease. Therefore, it has been classified as a Variant of Uncertain Significance.

NM_002485.5(NBN):c.1987G>A (p.Val663Met)

Gene: NBN (nibrin; minus strand). Cytogenetic location: 8q21.3.
Variant type: single nucleotide variant.
Coding change: c.1987G>A on transcript NM_002485.5 (MANE Select); coding-DNA position 1987, G replaced by A.
Protein change: p.Val663Met; replaces valine 663 with methionine.
Molecular consequence: missense variant.
Genome position (GRCh38, 1-based): chr8:89,946,223, C>T on the plus strand (G>A on the coding strand, the complement: NBN is on the minus strand). VCF-style: chr8-89946223-C-T. GRCh37 (hg19) VCF-style: chr8-90958451-C-T.
Other names: c.1741G>A, p.Val581Met (NM_001024688.3); short protein forms V581M, V663M.
Identifiers: ClinVar variation 3663532 (VCV003663532.3).
Genomic context (GRCh38, chr8:89,946,223, plus strand): 5'-TTAGTTGACCATAATCATCATTTATGCCAGATGGATTTCTGGAAGTAGAGTTTTTAATCA[C>T]CAGTGATCTAAATTCAGTCAATAACAGCTTTTTTGGAAGCATCTCACTATCATCCTGAAG-3'
Protein context (NP_002476.2, residues 653-673): KLLLTEFRSL[Val663Met]IKNSTSRNPS